The following is an entry in ClinVar:

ClinVar aggregate classification (germline): Uncertain significance. Review status: criteria provided, multiple submitters, no conflicts (2 of 4 stars). 6 submissions from 6 submitters: Uncertain significance (6). Last evaluated 2025-10-01.

Conditions:
CLN3-related disorder. Also called: CLN3-related condition. Identifiers: MedGen CN382248.
Inborn genetic diseases. Identifiers: MedGen C0950123, MeSH D030342.
Neuronal ceroid lipofuscinosis. Also called: Neuronal Ceroid Lipofuscinoses. Identifiers: Orphanet 216, Orphanet 79263, MedGen C0027877, MONDO:0016295. Disease mechanism: loss of function.
Neuronal ceroid lipofuscinosis 3 (CLN3). Identifiers: Orphanet 228346, MedGen C0751383, MONDO:0008767, OMIM 204200.

Allele frequency attached by ClinVar (database versions not stated): gnomAD 0.00010; TOPMed 0.00016.
gnomAD v4.1: 40 of 1,613,772 alleles (0.0025%); highest among the groups gnomAD compares: African/African-American, 0.04%; no homozygotes.

Submissions (6):

Labcorp Genetics (formerly Invitae), Labcorp
Classification: Uncertain significance for Neuronal ceroid lipofuscinosis. Last evaluated: 2025-10-01. Review status: criteria provided, single submitter. Criteria: Invitae Variant Classification Sherloc (09022015). Collection method: clinical testing. Allele origin: germline.
Comment: This sequence change replaces leucine, which is neutral and non-polar, with valine, which is neutral and non-polar, at codon 121 of the CLN3 protein (p.Leu121Val). This variant is present in population databases (rs752282954, gnomAD 0.03%). This variant has not been reported in the literature in individuals affected with CLN3-related conditions. ClinVar contains an entry for this variant (Variation ID: 205107). Invitae Evidence Modeling of protein sequence and biophysical properties (such as structural, functional, and spatial information, amino acid conservation, physicochemical variation, residue mobility, and thermodynamic stability) has been performed for this missense variant. However, the output from this modeling did not meet the statistical confidence thresholds required to predict the impact of this variant on CLN3 protein function. In summary, the available evidence is currently insufficient to determine the role of this variant in disease. Therefore, it has been classified as a Variant of Uncertain Significance.

PreventionGenetics, part of Exact Sciences
Classification: Uncertain significance for CLN3-related condition. Last evaluated: 2025-09-26. Review status: criteria provided, single submitter. Criteria: ACMG Guidelines, 2015. Collection method: clinical testing. Allele origin: germline.
Comment: The CLN3 c.361C>G variant is predicted to result in the amino acid substitution p.Leu121Val. To our knowledge, this variant has not been reported in the literature. This variant is reported in 0.024% of alleles in individuals of African descent in gnomAD. At this time, the clinical significance of this variant is uncertain due to the absence of conclusive functional and genetic evidence.

GeneDx
Classification: Uncertain significance. Last evaluated: 2024-07-23. Review status: criteria provided, single submitter. Criteria: GeneDx Variant Classification Process June 2021. Collection method: clinical testing. Allele origin: germline. Affected: yes.
Comment: In silico analysis indicates that this missense variant does not alter protein structure/function; Has not been previously published as pathogenic or benign to our knowledge

Blueprint Genetics
Classification: Uncertain significance. Last evaluated: 2022-09-05. Review status: criteria provided, single submitter. Criteria: ACMG Guidelines, 2015. Collection method: clinical testing. Allele origin: germline.

Genome-Nilou Lab
Classification: Uncertain significance for Neuronal ceroid lipofuscinosis 3. Last evaluated: 2021-09-05. Review status: criteria provided, single submitter. Criteria: ACMG Guidelines, 2015. Collection method: clinical testing. Allele origin: germline. Affected: no.

Ambry Genetics
Classification: Uncertain significance for Inborn genetic diseases. Last evaluated: 2019-11-01. Review status: criteria provided, single submitter. Criteria: Ambry Variant Classification Scheme 2023. Collection method: clinical testing. Allele origin: germline.
Comment: The p.L121V variant (also known as c.361C>G), located in coding exon 5 of the CLN3 gene, results from a C to G substitution at nucleotide position 361. The leucine at codon 121 is replaced by valine, an amino acid with highly similar properties. This amino acid position is well conserved in available vertebrate species. In addition, the in silico prediction for this alteration is inconclusive. Since supporting evidence is limited at this time, the clinical significance of this alteration remains unclear.

NM_001042432.2(CLN3):c.361C>G (p.Leu121Val)

Gene: CLN3 (CLN3 lysosomal/endosomal transmembrane protein, battenin; minus strand). Cytogenetic location: 16p12.1.
Variant type: single nucleotide variant.
Coding change: c.361C>G on transcript NM_001042432.2 (MANE Select); coding-DNA position 361, C replaced by G.
Protein change: p.Leu121Val; replaces leucine 121 with valine.
Molecular consequence: missense variant. On other transcripts: intron variant (1).
Genome position (GRCh38, 1-based): chr16:28,487,675, G>C on the plus strand (C>G on the coding strand, the complement: CLN3 is on the minus strand). VCF-style: chr16-28487675-G-C. GRCh37 (hg19) VCF-style: chr16-28498996-G-C.
Other names: p.L121V:CTG>GTG; c.361C>G, p.Leu121Val (NM_000086.2); c.289C>G, p.Leu97Val (NM_001286104.2); c.127C>G, p.Leu43Val (NM_001286109.2); c.199C>G, p.Leu67Val (NM_001286110.2); c.75-134C>G (NM_001286105.2); short protein forms L121V, L43V, L67V, L97V.
Identifiers: ClinVar variation 205107 (VCV000205107.18), dbSNP rs752282954, ClinGen allele CA313783.